The following is an entry in ClinVar:

NM_000228.3(LAMB3):c.3446_3453del (p.Gly1149fs)

Gene: LAMB3 (laminin subunit beta 3; minus strand). Cytogenetic location: 1q32.2.
Variant type: Deletion.
Coding change: c.3446_3453del on transcript NM_000228.3 (MANE Select); coding-DNA positions 3446 to 3453, 8 bases deleted (GACTGGAG; older notation c.3446_3453delGACTGGAG).
Protein change: p.Gly1149fs; shifts the reading frame from glycine 1149.
Molecular consequence: frameshift variant.
Genome position (GRCh38, 1-based): chr1:209,615,337-209,615,344, CTCCAGTC deleted on the plus strand (GACTGGAG on the coding strand, the reverse complement: LAMB3 is on the minus strand); deleting any 8 consecutive bases within chr1:209,615,337-209,615,346 gives the same sequence; the c. name uses the placement nearest the transcript's 3' end. VCF-style (leftmost placement, unchanged base first): chr1-209615336-TCTCCAGTC-T. GRCh37 (hg19) VCF-style: chr1-209788681-TCTCCAGTC-T.
Other names: c.3446_3453delGACTGGAG (NM_000228.2); c.3446_3453del, p.Gly1149fs (NM_001017402.2, NM_001127641.1); short protein forms G1149fs.
Identifiers: ClinVar variation 180675 (VCV000180675.2), dbSNP rs1553275034, ClinGen allele CA358700.

ClinVar aggregate classification (germline): Likely pathogenic. Review status: criteria provided, single submitter (1 of 4 stars). 2 submissions from 2 submitters: Likely pathogenic (1). 1 of the submissions does not count toward it. Last evaluated 2022-06-20.

Conditions:
Amelogenesis imperfecta type 1A. Also called: Amelogenesis imperfecta local hypoplastic; Amelogenesis imperfecta, hypoplastic type; AMELOGENESIS IMPERFECTA, HYPOPLASTIC TYPE IA; Amelogenesis imperfecta, type IA. Identifiers: Orphanet 88661, MedGen C4011403, MONDO:0007094, OMIM 104530.

Submissions (2):

GeneDx
Classification: Likely pathogenic. Last evaluated: 2022-06-20. Review status: criteria provided, single submitter. Criteria: GeneDx Variant Classification Process June 2021. Collection method: clinical testing. Allele origin: germline. Affected: yes.
Comment: Frameshift variant predicted to result in protein truncation, as the last 24 amino acids are replaced with 7 different amino acids, and other loss-of-function variants have been reported downstream in HGMD; Not observed at significant frequency in large population cohorts (gnomAD); This variant is associated with the following publications: (PMID: 23958762)

OMIM
Classification: Pathogenic for AMELOGENESIS IMPERFECTA, TYPE IA. Last evaluated: 2013-10-01. Review status: no assertion criteria provided. Collection method: literature only. Allele origin: germline. Not counted in ClinVar's aggregate classification.

Literature cited by the submitters: PubMed 16674655 (cited by OMIM); PubMed 23958762 (cited by OMIM).